The following is an entry in ClinVar:

ClinVar aggregate classification (germline): Uncertain significance (1 of 4 stars; one submission).

Submission:

Labcorp Genetics (formerly Invitae), Labcorp
Classification: Uncertain significance. Last evaluated: 2022-03-23. Review status: criteria provided, single submitter. Criteria: Invitae Variant Classification Sherloc (09022015). Collection method: clinical testing. Allele origin: germline.
Comment: In summary, the available evidence is currently insufficient to determine the role of this variant in disease. Therefore, it has been classified as a Variant of Uncertain Significance. Algorithms developed to predict the effect of missense changes on protein structure and function (SIFT, PolyPhen-2, Align-GVGD) all suggest that this variant is likely to be tolerated. This variant has not been reported in the literature in individuals affected with POLR2A-related conditions. This variant is not present in population databases (gnomAD no frequency). This sequence change replaces histidine, which is basic and polar, with tyrosine, which is neutral and polar, at codon 1410 of the POLR2A protein (p.His1410Tyr).

NM_000937.5(POLR2A):c.4228C>T (p.His1410Tyr)

Genes: POLR2A (RNA polymerase II subunit A; plus strand), LOC126862482 (CDK7 strongly-dependent group 2 enhancer GRCh37_chr17:7414586-7415785; plus strand). Cytogenetic location: 17p13.1.
Variant type: single nucleotide variant.
Coding change: c.4228C>T on transcript NM_000937.5 (MANE Select); coding-DNA position 4228, C replaced by T.
Protein change: p.His1410Tyr; replaces histidine 1410 with tyrosine.
Molecular consequence: missense variant.
Genome position (GRCh38, 1-based): chr17:7,511,937, C>T. VCF-style: chr17-7511937-C-T. GRCh37 (hg19) VCF-style: chr17-7415256-C-T.
Other names: short protein forms H1410Y.
Identifiers: ClinVar variation 2162695 (VCV002162695.4), dbSNP rs2508191152, ClinGen allele CA397823460.